The following is an entry in ClinVar:

ClinVar aggregate classification (germline): Uncertain significance (1 of 4 stars; one submission).

Conditions:
Anauxetic dysplasia. Identifiers: Orphanet 93347, MedGen C1846796, MONDO:0011773.

Submission:

Labcorp Genetics (formerly Invitae), Labcorp
Classification: Uncertain significance for Anauxetic dysplasia. Last evaluated: 2022-03-04. Review status: criteria provided, single submitter. Criteria: Invitae Variant Classification Sherloc (09022015). Collection method: clinical testing. Allele origin: germline.
Comment: This variant occurs in the RMRP gene, which encodes an RNA molecule that does not result in a protein product. This variant is not present in population databases (gnomAD no frequency). This variant has not been reported in the literature in individuals affected with RMRP-related conditions. Algorithms developed to predict the effect of sequence changes on RNA splicing suggest that this variant may create or strengthen a splice site. In summary, the available evidence is currently insufficient to determine the role of this variant in disease. Therefore, it has been classified as a Variant of Uncertain Significance.

NC_000009.12:g.35657912T>C

Gene: RMRP (RNA component of mitochondrial RNA processing endoribonuclease; minus strand). Cytogenetic location: 9p13.3.
Variant type: single nucleotide variant.
Genome position: GRCh38 VCF-style: chr9-35657912-T-C. GRCh37 (hg19) VCF-style: chr9-35657909-T-C.
Identifiers: ClinVar variation 2172053 (VCV002172053.1), dbSNP rs1587918470, ClinGen allele CA464450789.